The following is an entry in ClinVar:

NM_012262.4(HS2ST1):c.702G>A (p.Arg234=)

Gene: HS2ST1 (heparan sulfate 2-O-sulfotransferase 1; plus strand). Cytogenetic location: 1p22.3.
Variant type: single nucleotide variant.
Coding change: c.702G>A on transcript NM_012262.4 (MANE Select); coding-DNA position 702, G replaced by A.
Protein change: p.Arg234=; no amino-acid change (arginine 234 retained).
Molecular consequence: synonymous variant.
Genome position (GRCh38, 1-based): chr1:87,103,447, G>A. VCF-style: chr1-87103447-G-A. GRCh37 (hg19) VCF-style: chr1-87569130-G-A.
Identifiers: ClinVar variation 3905053 (VCV003905053.11).
Genomic context (GRCh38, chr1:87,103,447, plus strand): 5'-AGCAGATTTCACAACCAGGTTTTAATTCCTTTTCTTTGGTTTCAGGAATGTGGGAAGCAG[G>A]TGGGCTATGGATCAAGCCAAGTATAACCTAATTAATGAATATTTTCTGGTGGGAGTTACT-3'
Protein context (NP_036394.1, residues 224-244): HSSECWNVGS[Arg234=]WAMDQAKYNL

ClinVar aggregate classification (germline): Likely benign. Review status: criteria provided, multiple submitters, no conflicts (2 of 4 stars). 2 submissions from 2 submitters: Likely benign (2). Last evaluated 2025-05-01.

gnomAD v4.1: 376 of 1,599,986 alleles (0.024%); highest among the groups gnomAD compares: East Asian, 0.63%; 3 homozygotes.

Submissions (2):

CeGaT Center for Human Genetics Tuebingen
Classification: Likely benign. Last evaluated: 2025-05-01. Review status: criteria provided, single submitter. Criteria: CeGaT Center For Human Genetics Tuebingen Variant Classification Criteria Version 2. Collection method: clinical testing. Allele origin: germline. Affected: yes. Observed: 1 variant allele.
Comment: HS2ST1: BP4, BP7

Blueprint Genetics
Classification: Likely benign. Last evaluated: 2024-11-01. Review status: criteria provided, single submitter. Criteria: ACMG Guidelines, 2015. Collection method: clinical testing. Allele origin: germline.